The following is an entry in ClinVar:

ClinVar aggregate classification (germline): Uncertain significance (1 of 4 stars; one submission).

Conditions:
Amelocerebrohypohidrotic syndrome (KTZS). Also called: EPILEPSY AND YELLOW TEETH; EPILEPSY, DEMENTIA, AND AMELOGENESIS IMPERFECTA; KOHLSCHUTTER SYNDROME; Kohlschutter's syndrome. Identifiers: Orphanet 1946, MedGen C0406740, MONDO:0009185, OMIM 226750.

Submission:

Labcorp Genetics (formerly Invitae), Labcorp
Classification: Uncertain significance for Amelocerebrohypohidrotic syndrome. Last evaluated: 2022-10-17. Review status: criteria provided, single submitter. Criteria: Invitae Variant Classification Sherloc (09022015). Collection method: clinical testing. Allele origin: germline.
Comment: This variant has not been reported in the literature in individuals affected with ROGDI-related conditions. In summary, the available evidence is currently insufficient to determine the role of this variant in disease. Therefore, it has been classified as a Variant of Uncertain Significance. Algorithms developed to predict the effect of missense changes on protein structure and function are either unavailable or do not agree on the potential impact of this missense change (SIFT: "Not Available"; PolyPhen-2: "Probably Damaging"; Align-GVGD: "Not Available"). ClinVar contains an entry for this variant (Variation ID: 1429283). Information on the frequency of this variant in the gnomAD database is not available, as this variant may be reported differently in the database. This sequence change replaces tyrosine with serine at codon 193 of the ROGDI protein (p.Tyr193Ser). The tyrosine residue is highly conserved and there is a large physicochemical difference between tyrosine and serine.

NM_024589.3(ROGDI):c.577_578delinsAG (p.Tyr193Ser)

Gene: ROGDI (rogdi atypical leucine zipper; minus strand). Cytogenetic location: 16p13.3.
Variant type: Indel.
Coding change: c.577_578delinsAG on transcript NM_024589.3 (MANE Select); coding-DNA positions 577 to 578, TA replaced by AG.
Protein change: p.Tyr193Ser; replaces tyrosine 193 with serine.
Molecular consequence: missense variant. On other transcripts: non-coding transcript variant (1).
Genome position (GRCh38, 1-based): chr16:4,798,138-4,798,139, TA replaced by CT on the plus strand (TA replaced by AG on the coding strand, the reverse complement: ROGDI is on the minus strand). VCF-style: chr16-4798138-TA-CT. GRCh37 (hg19) VCF-style: chr16-4848139-TA-CT.
Other names: short protein forms Y193S.
Identifiers: ClinVar variation 1429283 (VCV001429283.6), dbSNP rs2141906440, ClinGen allele CA2573152065.